The following is an entry in ClinVar:

ClinVar aggregate classification (germline): Conflicting classifications of pathogenicity. Review status: criteria provided, conflicting classifications (1 of 4 stars). 5 submissions from 5 submitters: Likely pathogenic (2); Uncertain significance (3). Last evaluated 2025-02-16.

Submissions (5):

Laboratory of Genetics, Children's Clinical University Hospital Latvia
Classification: Likely pathogenic. Last evaluated: 2025-02-16. Review status: criteria provided, single submitter. Criteria: ACMG Guidelines, 2015. Collection method: clinical testing. Allele origin: germline. Affected: yes.

Labcorp Genetics (formerly Invitae), Labcorp
Classification: Uncertain significance. Last evaluated: 2025-02-04. Review status: criteria provided, single submitter. Criteria: Invitae Variant Classification Sherloc (09022015). Collection method: clinical testing. Allele origin: germline.
Comment: This sequence change replaces glycine, which is neutral and non-polar, with aspartic acid, which is acidic and polar, at codon 148 of the SPTB protein (p.Gly148Asp). This variant is not present in population databases (gnomAD no frequency). This variant has not been reported in the literature in individuals affected with SPTB-related conditions. ClinVar contains an entry for this variant (Variation ID: 993675). An algorithm developed to predict the effect of missense changes on protein structure and function (PolyPhen-2) suggests that this variant is likely to be disruptive. In summary, the available evidence is currently insufficient to determine the role of this variant in disease. Therefore, it has been classified as a Variant of Uncertain Significance.

Revvity Omics, Revvity
Classification: Uncertain significance. Last evaluated: 2024-11-06. Review status: criteria provided, single submitter. Criteria: ACMG Guidelines, 2015. Collection method: clinical testing. Allele origin: germline.

CeGaT Center for Human Genetics Tuebingen
Classification: Likely pathogenic. Last evaluated: 2023-08-01. Review status: criteria provided, single submitter. Criteria: CeGaT Center For Human Genetics Tuebingen Variant Classification Criteria Version 2. Collection method: clinical testing. Allele origin: germline. Affected: yes. Observed: 1 variant allele.
Comment: SPTB: PM1, PM2, PP3, PP4

ARUP Laboratories, Molecular Genetics and Genomics, ARUP Laboratories
Classification: Uncertain significance. Last evaluated: 2020-03-20. Review status: criteria provided, single submitter. Criteria: ARUP Molecular Germline Variant Investigation Process. Collection method: clinical testing. Allele origin: germline.

NM_001355436.2(SPTB):c.443G>A (p.Gly148Asp)

Gene: SPTB (spectrin beta, erythrocytic; minus strand). Cytogenetic location: 14q23.3.
Variant type: single nucleotide variant.
Coding change: c.443G>A on transcript NM_001355436.2 (MANE Select); coding-DNA position 443, G replaced by A.
Protein change: p.Gly148Asp; replaces glycine 148 with aspartic acid.
Molecular consequence: missense variant.
Genome position (GRCh38, 1-based): chr14:64,803,638, C>T on the plus strand (G>A on the coding strand, the complement: SPTB is on the minus strand). VCF-style: chr14-64803638-C-T. GRCh37 (hg19) VCF-style: chr14-65270356-C-T.
Other names: c.443G>A, p.Gly148Asp (NM_001024858.4, NM_001355437.2); short protein forms G148D.
Identifiers: ClinVar variation 993675 (VCV000993675.35), dbSNP rs2082929857, ClinGen allele CA390034446.